The following is an entry in ClinVar:

ClinVar aggregate classification (germline): Pathogenic (1 of 4 stars; one submission).

Conditions:
Tuberous sclerosis 1 (TSC1). Identifiers: Orphanet 805, MedGen C1854465, MONDO:0008612, OMIM 191100.

Submission:

Labcorp Genetics (formerly Invitae), Labcorp
Classification: Pathogenic for Tuberous sclerosis 1. Last evaluated: 2017-05-17. Review status: criteria provided, single submitter. Criteria: Invitae Variant Classification Sherloc (09022015). Collection method: clinical testing. Allele origin: germline.
Comment: This sequence change inserts 4 nucleotides in exon 17 of the TSC1 mRNA (c.2177_2180dupCAGC), causing a frameshift at codon 728. This creates a premature translational stop signal (p.Ala728Serfs*7) and is expected to result in an absent or disrupted protein product. While this particular variant has not been reported in the literature, loss-of-function variants in TSC1 are known to be pathogenic (PMID: 10227394, 17304050). For these reasons, this variant has been classified as Pathogenic.

Literature cited by the submitters: PubMed 10227394; PubMed 17304050.

NM_000368.5(TSC1):c.2177_2180dup (p.Ala728fs)

Gene: TSC1 (TSC complex subunit 1; minus strand). Cytogenetic location: 9q34.13.
Variant type: Duplication.
Coding change: c.2177_2180dup on transcript NM_000368.5 (MANE Select); coding-DNA positions 2177 to 2180, 4 bases duplicated (CAGC; older notation c.2177_2180dupCAGC).
Protein change: p.Ala728fs; shifts the reading frame from alanine 728.
Molecular consequence: frameshift variant.
Genome position (GRCh38, 1-based): chr9:132,903,679-132,903,682, GCTG duplicated on the plus strand (CAGC on the coding strand, the reverse complement: TSC1 is on the minus strand). VCF-style (leftmost placement, unchanged base first): chr9-132903678-T-TGCTG. GRCh37 (hg19) VCF-style: chr9-135779065-T-TGCTG.
Other names: c.2174_2177dup, p.Ala727fs (NM_001162426.2); c.2024_2027dup, p.Ala677fs (NM_001162427.2); c.1814_1817dup, p.Ala607fs (NM_001362177.2); c.2177_2180dupCAGC (NM_000368.4); short protein forms A728fs, A727fs, A607fs, A677fs.
Identifiers: ClinVar variation 466063 (VCV000466063.2), dbSNP rs1554815246, ClinGen allele CA658656067.